The following is an entry in ClinVar:

NM_006231.4(POLE):c.*4G>T

Gene: POLE (DNA polymerase epsilon, catalytic subunit; minus strand). Cytogenetic location: 12q24.33.
Variant type: single nucleotide variant.
Coding change: c.*4G>T on transcript NM_006231.4 (MANE Select); 4 bases downstream of the stop codon, G replaced by T.
Molecular consequence: 3 prime UTR variant.
Genome position (GRCh38, 1-based): chr12:132,624,693, C>A on the plus strand (G>T on the coding strand, the complement: POLE is on the minus strand). VCF-style: chr12-132624693-C-A. GRCh37 (hg19) VCF-style: chr12-133201279-C-A.
Identifiers: ClinVar variation 484526 (VCV000484526.5), dbSNP rs1555300702, ClinGen allele CA658658201.

ClinVar aggregate classification (germline): Uncertain significance (1 of 4 stars; one submission).

Conditions:
Hereditary cancer-predisposing syndrome. Also called: Neoplastic Syndromes, Hereditary; Tumor predisposition; Hereditary Cancer Syndrome; Hereditary neoplastic syndrome. Identifiers: Orphanet 140162, MedGen C0027672, MeSH D009386, MONDO:0015356.

Submission:

Ambry Genetics
Classification: Uncertain significance for Hereditary cancer-predisposing syndrome. Last evaluated: 2016-05-18. Review status: criteria provided, single submitter. Criteria: Ambry Variant Classification Scheme 2023. Collection method: clinical testing. Allele origin: germline.
Comment: The c.*4G>T variant is located in the 3' untranslated region (3&rsquo; UTR) of the POLE gene. This variant results from a G to T substitution four nucleotides after the termination codon of the POLE gene. This variant was not reported in population based cohorts in the following databases: Database of Single Nucleotide Polymorphisms (dbSNP), NHLBI Exome Sequencing Project (ESP), and 1000 Genomes Project. In the ESP, this variant was not observed in 6503 samples (13006 alleles) with coverage at this position. To date, this alteration has been detected with an allele frequency of approximately 0.001% (greater than 80000 alleles tested) in our clinical cohort. This nucleotide position is well conserved in available vertebrate species. Since supporting evidence is limited at this time, the clinical significance of this alteration remains unclear.